The following is an entry in ClinVar:

NM_013447.4(ADGRE2):c.107A>T (p.Asp36Val)

Gene: ADGRE2 (adhesion G protein-coupled receptor E2; minus strand). Cytogenetic location: 19p13.12.
Variant type: single nucleotide variant.
Coding change: c.107A>T on transcript NM_013447.4 (MANE Select); coding-DNA position 107, A replaced by T.
Protein change: p.Asp36Val; replaces aspartic acid 36 with valine.
Molecular consequence: missense variant.
Genome position (GRCh38, 1-based): chr19:14,774,030, T>A on the plus strand (A>T on the coding strand, the complement: ADGRE2 is on the minus strand). VCF-style: chr19-14774030-T-A. GRCh37 (hg19) VCF-style: chr19-14884842-T-A.
Other names: c.107A>T, p.Asp36Val (NM_001271052.1, NM_152916.2, NM_152917.2); short protein forms D36V.
Identifiers: ClinVar variation 1999336 (VCV001999336.4), dbSNP rs369172417, ClinGen allele CA404465567.

ClinVar aggregate classification (germline): Uncertain significance (1 of 4 stars; one submission).

gnomAD v4.1: 1 of 1,612,842 alleles (0.000062%); highest among the groups gnomAD compares: South Asian, 0.0011%; no homozygotes.

Submission:

Labcorp Genetics (formerly Invitae), Labcorp
Classification: Uncertain significance. Last evaluated: 2022-05-27. Review status: criteria provided, single submitter. Criteria: Invitae Variant Classification Sherloc (09022015). Collection method: clinical testing. Allele origin: germline.
Comment: In summary, the available evidence is currently insufficient to determine the role of this variant in disease. Therefore, it has been classified as a Variant of Uncertain Significance. Algorithms developed to predict the effect of missense changes on protein structure and function (SIFT, PolyPhen-2, Align-GVGD) all suggest that this variant is likely to be tolerated. This variant has not been reported in the literature in individuals affected with ADGRE2-related conditions. This variant is not present in population databases (gnomAD no frequency). This sequence change replaces aspartic acid, which is acidic and polar, with valine, which is neutral and non-polar, at codon 36 of the ADGRE2 protein (p.Asp36Val).